The following is an entry in ClinVar:

ClinVar aggregate classification (germline): Pathogenic. Review status: criteria provided, multiple submitters, no conflicts (2 of 4 stars). 2 submissions from 2 submitters: Pathogenic (2). Last evaluated 2019-05-10.

Conditions:
Eichsfeld type congenital muscular dystrophy (CMYO3). Also called: MYOPATHY, SEPN1-RELATED; SELENON-related myopathy; Congenital myopathy 3 with rigid spine; Rigid spine muscular dystrophy 1. Identifiers: MedGen C0410180, MONDO:0100100, OMIM 602771.

Submissions (2):

Labcorp Genetics (formerly Invitae), Labcorp
Classification: Pathogenic for Eichsfeld type congenital muscular dystrophy. Last evaluated: 2019-05-10. Review status: criteria provided, single submitter. Criteria: Invitae Variant Classification Sherloc (09022015). Collection method: clinical testing. Allele origin: germline.
Comment: This sequence change creates a premature translational stop signal (p.Arg25Alafs*51) in the SELENON gene. It is expected to result in an absent or disrupted protein product. While this variant is not present in population databases, the frequency information is unreliable, as metrics indicate poor data quality at this position in the ExAC database. This variant has not been reported in the literature in individuals with SELENON-related disease. ClinVar contains an entry for this variant (Variation ID: 193429). Loss-of-function variants in SELENON are known to be pathogenic (PMID: 21131290, 21670436). For these reasons, this variant has been classified as Pathogenic.

Eurofins Ntd Llc (ga)
Classification: Pathogenic. Last evaluated: 2015-01-15. Review status: criteria provided, single submitter. Criteria: EGL Classification Definitions. Collection method: clinical testing. Allele origin: germline. Observed: 2 variant alleles, 2 heterozygotes.

NM_206926.2(SELENON):c.44_72dup (p.Arg25fs)

Gene: SELENON (selenoprotein N; plus strand). Cytogenetic location: 1p36.11.
Variant type: Duplication.
Coding change: c.44_72dup on transcript NM_206926.2 (MANE Select); coding-DNA positions 44 to 72, 29 bases duplicated (GCCCCGCCGCGCAGCCTCCCGCGCCACCG).
Protein change: p.Arg25fs; shifts the reading frame from arginine 25.
Molecular consequence: frameshift variant.
Genome position (GRCh38, 1-based): chr1:25,800,274-25,800,302, GCCCCGCCGCGCAGCCTCCCGCGCCACCG duplicated; duplicating any 29 consecutive bases within chr1:25,800,271-25,800,302 gives the same sequence; the c. name uses the placement nearest the transcript's 3' end. VCF-style (leftmost placement, unchanged base first): chr1-25800270-C-CCCGGCCCCGCCGCGCAGCCTCCCGCGCCA. GRCh37 (hg19) VCF-style: chr1-26126761-C-CCCGGCCCCGCCGCGCAGCCTCCCGCGCCA.
Other names: c.44_72dup, p.Arg25fs (NM_020451.3); short protein forms R25fs.
Identifiers: ClinVar variation 193429 (VCV000193429.7), dbSNP rs797044620, ClinGen allele CA274920.